The following is an entry in ClinVar:

ClinVar aggregate classification (germline): Uncertain significance (1 of 4 stars; one submission).

Allele frequency attached by ClinVar (database versions not stated): gnomAD exomes below 0.00001.
gnomAD v4.1: 5 of 1,601,236 alleles (0.00031%); highest among the groups gnomAD compares: Non-Finnish European, 0.00043%; no homozygotes.

Submission:

Ambry Genetics
Classification: Uncertain significance. Last evaluated: 2023-11-26. Review status: criteria provided, single submitter. Criteria: Ambry Variant Classification Scheme 2023. Collection method: clinical testing. Allele origin: germline.
Comment: The p.E57G variant (also known as c.170A>G), located in coding exon 3 of the NEBL gene, results from an A to G substitution at nucleotide position 170. The glutamic acid at codon 57 is replaced by glycine, an amino acid with similar properties. This amino acid position is conserved. In addition, this alteration is predicted to be tolerated by in silico analysis. Since supporting evidence is limited at this time, the clinical significance of this alteration remains unclear.

NM_006393.3(NEBL):c.170A>G (p.Glu57Gly)

Gene: NEBL (nebulette; minus strand). Cytogenetic location: 10p12.31.
Variant type: single nucleotide variant.
Coding change: c.170A>G on transcript NM_006393.3 (MANE Select); coding-DNA position 170, A replaced by G.
Protein change: p.Glu57Gly; replaces glutamic acid 57 with glycine.
Molecular consequence: missense variant. On other transcripts: intron variant (9).
Genome position (GRCh38, 1-based): chr10:20,889,933, T>C on the plus strand (A>G on the coding strand, the complement: NEBL is on the minus strand). VCF-style: chr10-20889933-T-C. GRCh37 (hg19) VCF-style: chr10-21178862-T-C.
Other names: c.249+71739A>G (NM_001377326.1, NM_001377327.1, NM_001377328.1); c.357+71739A>G (NM_213569.2, NM_001173484.2, NM_001377322.1); c.300+71739A>G (NM_001377324.1); c.291+71739A>G (NM_001377325.1); c.309+71739A>G (NM_001377323.1); short protein forms E57G.
Identifiers: ClinVar variation 3225560 (VCV003225560.1), dbSNP rs1486952071, ClinGen allele CA376096801.
Genomic context (GRCh38, chr10:20,889,933, plus strand): 5'-ACATGGTTTAGCATAGGACTGTCAGTCACAAATGTACACTTATCCTTGGACTTTTTAAAC[T>C]CTTCTTTATAACGGATCTAAAAAAGAGAATGATTTACATAAGAAGAGAAAAAGAAAAACA-3'
Protein context (NP_006384.1, residues 47-67): ELISDIRYKE[Glu57Gly]FKKSKDKCTF